The following is an entry in ClinVar:

ClinVar aggregate classification (germline): Benign. Review status: criteria provided, multiple submitters, no conflicts (2 of 4 stars). 3 submissions from 3 submitters: Benign (2). 1 of the submissions does not count toward it. Last evaluated 2026-01-26.

Conditions:
DSCAML1-related disorder. Also called: DSCAML1-related condition.

Allele frequency attached by ClinVar (database versions not stated): ExAC 0.00094; 1000 Genomes Project 30x 0.00141; 1000 Genomes Project 0.00160; gnomAD 0.00328 and 0.00352; ESP Exome Variant Server 0.00346; TOPMed 0.00351; gnomAD exomes 0.00028 and 0.00071.
gnomAD v4.1: 953 of 1,613,116 alleles (0.059%); highest among the groups gnomAD compares: African/African-American, 1.1%; 6 homozygotes.

Submissions (3):

Labcorp Genetics (formerly Invitae), Labcorp
Classification: Benign. Last evaluated: 2026-01-26. Review status: criteria provided, single submitter. Criteria: Invitae Variant Classification Sherloc (09022015). Collection method: clinical testing. Allele origin: germline.

Breakthrough Genomics
Classification: Benign. Review status: criteria provided, single submitter. Criteria: ACMG Guidelines, 2015. Collection method: not provided. Allele origin: germline. Inheritance: Unknown mechanism. Affected: yes.

PreventionGenetics, part of Exact Sciences
Classification: Benign for DSCAML1-related condition. Last evaluated: 2019-02-25. Review status: no assertion criteria provided. Collection method: clinical testing. Allele origin: germline. Not counted in ClinVar's aggregate classification.
Comment: This variant is classified as benign based on ACMG/AMP sequence variant interpretation guidelines (Richards et al. 2015 PMID: 25741868, with internal and published modifications).

NM_020693.4(DSCAML1):c.1305G>A (p.Pro435=)

Gene: DSCAML1 (DS cell adhesion molecule like 1; minus strand). Cytogenetic location: 11q23.3.
Variant type: single nucleotide variant.
Coding change: c.1305G>A on transcript NM_020693.4 (MANE Select); coding-DNA position 1305, G replaced by A.
Protein change: p.Pro435=; no amino-acid change (proline 435 retained).
Molecular consequence: synonymous variant.
Genome position (GRCh38, 1-based): chr11:117,518,671, C>T on the plus strand (G>A on the coding strand, the complement: DSCAML1 is on the minus strand). VCF-style: chr11-117518671-C-T. GRCh37 (hg19) VCF-style: chr11-117389386-C-T.
Other names: c.1305G>A, p.Pro435= (NM_001367904.1); c.897G>A, p.Pro299= (NM_001367905.1); c.1485G>A (NM_020693.3).
Identifiers: ClinVar variation 1633764 (VCV001633764.11), dbSNP rs113913629, ClinGen allele CA6297299.